The following is an entry in ClinVar:

ClinVar aggregate classification (germline): Uncertain significance. Review status: criteria provided, multiple submitters, no conflicts (2 of 4 stars). 4 submissions from 4 submitters: Uncertain significance (4). Last evaluated 2025-12-29.

Conditions:
GRN-related frontotemporal lobar degeneration with Tdp43 inclusions (FTD2). Also called: FRONTOTEMPORAL DEMENTIA WITH TDP43 INCLUSIONS, GRN-RELATED; GRN Frontotemporal Dementia; DEMENTIA, HEREDITARY DYSPHASIC DISINHIBITION; FRONTOTEMPORAL LOBAR DEGENERATION WITH UBIQUITIN-POSITIVE INCLUSIONS; FTLD-TDP, GRN-RELATED. Identifiers: Orphanet 100070, Orphanet 282, MedGen C1843792, MONDO:0011842, OMIM 607485. Disease mechanism: loss of function.
Neuronal ceroid lipofuscinosis 11. Also called: GRN-Related Neuronal Ceroid-Lipofuscinosis. Identifiers: Orphanet 314629, Orphanet 79262, MedGen C3539123, MONDO:0013866, OMIM 614706.
Inborn genetic diseases. Identifiers: MedGen C0950123, MeSH D030342.

Allele frequency attached by ClinVar (database versions not stated): TOPMed 0.00004; gnomAD 0.00005; gnomAD exomes 0.00006; ExAC 0.00008.

Submissions (4):

Labcorp Genetics (formerly Invitae), Labcorp
Classification: Uncertain significance for Neuronal ceroid lipofuscinosis 11; GRN-related frontotemporal lobar degeneration with Tdp43 inclusions. Last evaluated: 2025-12-29. Review status: criteria provided, single submitter. Criteria: Invitae Variant Classification Sherloc (09022015). Collection method: clinical testing. Allele origin: germline.
Comment: This sequence change replaces arginine, which is basic and polar, with histidine, which is basic and polar, at codon 43 of the GRN protein (p.Arg43His). This variant is present in population databases (rs766068311, gnomAD 0.02%). This variant has not been reported in the literature in individuals affected with GRN-related conditions. ClinVar contains an entry for this variant (Variation ID: 1517954). An algorithm developed to predict the effect of missense changes on protein structure and function (PolyPhen-2) suggests that this variant is likely to be tolerated. In summary, the available evidence is currently insufficient to determine the role of this variant in disease. Therefore, it has been classified as a Variant of Uncertain Significance.

CeGaT Center for Human Genetics Tuebingen
Classification: Uncertain significance. Last evaluated: 2025-05-01. Review status: criteria provided, single submitter. Criteria: CeGaT Center For Human Genetics Tuebingen Variant Classification Criteria Version 2. Collection method: clinical testing. Allele origin: germline. Affected: yes. Observed: 1 variant allele.
Comment: GRN: PM2, BP4

GeneDx
Classification: Uncertain significance. Last evaluated: 2022-04-25. Review status: criteria provided, single submitter. Criteria: GeneDx Variant Classification Process June 2021. Collection method: clinical testing. Allele origin: germline. Affected: yes.
Comment: In silico analysis supports that this missense variant does not alter protein structure/function; Has not been previously published as pathogenic or benign to our knowledge

Ambry Genetics
Classification: Uncertain significance for Inborn genetic diseases. Last evaluated: 2019-09-13. Review status: criteria provided, single submitter. Criteria: Ambry Variant Classification Scheme 2023. Collection method: clinical testing. Allele origin: germline.
Comment: The p.R43H variant (also known as c.128G>A), located in coding exon 1 of the GRN gene, results from a G to A substitution at nucleotide position 128. The arginine at codon 43 is replaced by histidine, an amino acid with highly similar properties. This amino acid position is not well conserved in available vertebrate species. In addition, this alteration is predicted to be tolerated by in silico analysis. Since supporting evidence is limited at this time, the clinical significance of this alteration remains unclear.

NM_002087.4(GRN):c.128G>A (p.Arg43His)

Gene: GRN (granulin precursor; plus strand). Cytogenetic location: 17q21.31.
Variant type: single nucleotide variant.
Coding change: c.128G>A on transcript NM_002087.4 (MANE Select); coding-DNA position 128, G replaced by A.
Protein change: p.Arg43His; replaces arginine 43 with histidine.
Molecular consequence: missense variant.
Genome position (GRCh38, 1-based): chr17:44,349,292, G>A. VCF-style: chr17-44349292-G-A. GRCh37 (hg19) VCF-style: chr17-42426660-G-A.
Other names: short protein forms R43H.
Identifiers: ClinVar variation 1517954 (VCV001517954.19), dbSNP rs766068311, ClinGen allele CA8601750.
Genomic context (GRCh38, chr17:44,349,292, plus strand): 5'-GTCAGTTCTGCCCTGTGGCCTGCTGCCTGGACCCCGGAGGAGCCAGCTACAGCTGCTGCC[G>A]TCCCCTTCTGGTGAGTGCCCCTCAGCCTAGGCAAGAGCTGGCAGCCTGGGTTTTCCCAAA-3'
Protein context (NP_002078.1, residues 33-53): DPGGASYSCC[Arg43His]PLLDKWPTTL